The following is an entry in ClinVar:

NM_001330260.2(SCN8A):c.362T>A (p.Ile121Lys)

Gene: SCN8A (sodium voltage-gated channel alpha subunit 8; plus strand). Cytogenetic location: 12q13.13.
Variant type: single nucleotide variant.
Coding change: c.362T>A on transcript NM_001330260.2 (MANE Select); coding-DNA position 362, T replaced by A.
Protein change: p.Ile121Lys; replaces isoleucine 121 with lysine.
Molecular consequence: missense variant.
Genome position (GRCh38, 1-based): chr12:51,684,259, T>A. VCF-style: chr12-51684259-T-A. GRCh37 (hg19) VCF-style: chr12-52078043-T-A.
Other names: c.362T>A, p.Ile121Lys (NM_001177984.3, NM_001369788.1, NM_014191.4); short protein forms I121K.
Identifiers: ClinVar variation 1018381 (VCV001018381.9), dbSNP rs1941383326, ClinGen allele CA385221219.
Genomic context (GRCh38, chr12:51,684,259, plus strand): 5'-AAACTCTCTTCAGATTTAGTGCCACGCCTGCCTTGTACATTTTAAGTCCTTTTAACCTGA[T>A]AAGAAGAATAGCTATTAAAATTTTGATACATTCATATCCTTTTCGGCAAATGTGGAGTGA-3'
Protein context (NP_001317189.1, residues 111-131): ALYILSPFNL[Ile121Lys]RRIAIKILIH

ClinVar aggregate classification (germline): Uncertain significance (1 of 4 stars; one submission).

Conditions:
Early-infantile DEE. Also called: Ohtahara syndrome; Early infantile epileptic encephalopathy with suppression bursts; Early infantile epileptic encephalopathy. Identifiers: Orphanet 1934, MedGen C0393706, MONDO:0800491.

Submission:

Labcorp Genetics (formerly Invitae), Labcorp
Classification: Uncertain significance for Early-infantile DEE. Last evaluated: 2020-01-21. Review status: criteria provided, single submitter. Criteria: Invitae Variant Classification Sherloc (09022015). Collection method: clinical testing. Allele origin: germline.
Comment: This variant has not been reported in the literature in individuals with SCN8A-related conditions. In summary, the available evidence is currently insufficient to determine the role of this variant in disease. Therefore, it has been classified as a Variant of Uncertain Significance. Algorithms developed to predict the effect of missense changes on protein structure and function are either unavailable or do not agree on the potential impact of this missense change (SIFT: "Deleterious"; PolyPhen-2: "Benign"; Align-GVGD: "Class C0"). This variant is not present in population databases (ExAC no frequency). This sequence change replaces isoleucine with lysine at codon 121 of the SCN8A protein (p.Ile121Lys). The isoleucine residue is moderately conserved and there is a moderate physicochemical difference between isoleucine and lysine.